The following is an entry in ClinVar:

NM_032578.4(MYPN):c.2654G>A (p.Arg885Gln)

Gene: MYPN (myopalladin; plus strand). Cytogenetic location: 10q21.3.
Variant type: single nucleotide variant.
Coding change: c.2654G>A on transcript NM_032578.4 (MANE Select); coding-DNA position 2654, G replaced by A.
Protein change: p.Arg885Gln; replaces arginine 885 with glutamine.
Molecular consequence: missense variant. On other transcripts: non-coding transcript variant (1).
Genome position (GRCh38, 1-based): chr10:68,175,412, G>A. VCF-style: chr10-68175412-G-A. GRCh37 (hg19) VCF-style: chr10-69935169-G-A.
Other names: c.2654G>A, p.Arg885Gln (NM_001256267.2); c.1772G>A, p.Arg591Gln (NM_001256268.2); short protein forms R885Q, R591Q.
Identifiers: ClinVar variation 264161 (VCV000264161.19), dbSNP rs370657396, ClinGen allele CA5522838.

ClinVar aggregate classification (germline): Uncertain significance. Review status: criteria provided, multiple submitters, no conflicts (2 of 4 stars). 4 submissions from 4 submitters: Uncertain significance (4). Last evaluated 2025-10-24.

Conditions:
MYPN-related disorder. Also called: MYPN-related condition.
Cardiovascular phenotype. Identifiers: MedGen CN230736.
Dilated cardiomyopathy 1KK (CMD1KK). Identifiers: Orphanet 154, Orphanet 75249, MedGen C3714995, MONDO:0014100, OMIM 615248.

Allele frequency attached by ClinVar (database versions not stated): ExAC 0.00002; gnomAD exomes 0.00002; gnomAD 0.00004 and 0.00005; TOPMed 0.00006; ESP Exome Variant Server 0.00008.
gnomAD v4.1: 20 of 1,614,022 alleles (0.0012%); highest among the groups gnomAD compares: African/African-American, 0.015%; no homozygotes.

Submissions (4):

Labcorp Genetics (formerly Invitae), Labcorp
Classification: Uncertain significance for Dilated cardiomyopathy 1KK. Last evaluated: 2025-10-24. Review status: criteria provided, single submitter. Criteria: Invitae Variant Classification Sherloc (09022015). Collection method: clinical testing. Allele origin: germline.
Comment: This sequence change replaces arginine, which is basic and polar, with glutamine, which is neutral and polar, at codon 885 of the MYPN protein (p.Arg885Gln). This variant is present in population databases (rs370657396, gnomAD 0.01%). This variant has not been reported in the literature in individuals affected with MYPN-related conditions. ClinVar contains an entry for this variant (Variation ID: 264161). An algorithm developed to predict the effect of missense changes on protein structure and function outputs the following: PolyPhen-2: "Benign". The glutamine amino acid residue is found in multiple mammalian species, which suggests that this missense change does not adversely affect protein function. In summary, the available evidence is currently insufficient to determine the role of this variant in disease. Therefore, it has been classified as a Variant of Uncertain Significance.

PreventionGenetics, part of Exact Sciences
Classification: Uncertain significance for MYPN-related condition. Last evaluated: 2025-09-01. Review status: criteria provided, single submitter. Criteria: ACMG Guidelines, 2015. Collection method: clinical testing. Allele origin: germline.
Comment: The MYPN c.2654G>A variant is predicted to result in the amino acid substitution p.Arg885Gln. To our knowledge, this variant has not been reported in the literature. This variant is reported in 0.012% of alleles in individuals of African descent in gnomAD. At this time, the clinical significance of this variant is uncertain due to the absence of conclusive functional and genetic evidence.

GeneDx
Classification: Uncertain significance. Last evaluated: 2025-07-16. Review status: criteria provided, single submitter. Criteria: GeneDx Variant Classification Process June 2021. Collection method: clinical testing. Allele origin: germline. Affected: yes.
Comment: Not observed at significant frequency in large population cohorts (gnomAD); In silico analysis suggests that this missense variant does not alter protein structure/function; Has not been previously published as pathogenic or benign to our knowledge

Ambry Genetics
Classification: Uncertain significance for Cardiovascular phenotype. Last evaluated: 2023-08-11. Review status: criteria provided, single submitter. Criteria: Ambry Variant Classification Scheme 2023. Collection method: clinical testing. Allele origin: germline.
Comment: The p.R885Q variant (also known as c.2654G>A), located in coding exon 11 of the MYPN gene, results from a G to A substitution at nucleotide position 2654. The arginine at codon 885 is replaced by glutamine, an amino acid with highly similar properties. This amino acid position is poorly conserved in available vertebrate species. In addition, this alteration is predicted to be tolerated by in silico analysis. Since supporting evidence is limited at this time, the clinical significance of this alteration remains unclear.